The following is an entry in ClinVar:

NM_001135998.3(NDUFB11):c.260T>C (p.Met87Thr)

Gene: NDUFB11 (NADH:ubiquinone oxidoreductase subunit B11; minus strand). Cytogenetic location: Xp11.3.
Variant type: single nucleotide variant.
Coding change: c.260T>C on transcript NM_001135998.3 (MANE Select); coding-DNA position 260, T replaced by C.
Protein change: p.Met87Thr; replaces methionine 87 with threonine.
Molecular consequence: missense variant.
Genome position (GRCh38, 1-based): chrX:47,142,692, A>G on the plus strand (T>C on the coding strand, the complement: NDUFB11 is on the minus strand). VCF-style: chrX-47142692-A-G. GRCh37 (hg19) VCF-style: chrX-47002091-A-G.
Other names: c.260T>C, p.Met87Thr (NM_019056.7); short protein forms M87T.
Identifiers: ClinVar variation 1027717 (VCV001027717.1), dbSNP rs1556760684, ClinGen allele CA412780568.

ClinVar aggregate classification (germline): Uncertain significance (1 of 4 stars; one submission).

Conditions:
Mitochondrial complex I deficiency, nuclear type 30. Also called: Mitochondrial complex 1 deficiency, nuclear type 30. Identifiers: MedGen C4746985, MONDO:0026721, OMIM 301021.

Allele frequency attached by ClinVar (database versions not stated): gnomAD exomes below 0.00001 and 0.00001; TOPMed below 0.00001.
gnomAD v4.1: 1 of 1,211,937 alleles (0.000083%); highest among the groups gnomAD compares: Non-Finnish European, 0.00011%; no homozygotes.

Submission:

Baylor Genetics
Classification: Uncertain significance for Mitochondrial complex I deficiency, nuclear type 30. Last evaluated: 2020-05-28. Review status: criteria provided, single submitter. Criteria: ACMG Guidelines, 2015. Collection method: clinical testing. Allele origin: unknown. Affected: yes.
Comment: This variant was determined to be of uncertain significance according to ACMG Guidelines, 2015 [PMID:25741868].